The following is an entry in ClinVar:

ClinVar aggregate classification (germline): Uncertain significance (0 of 4 stars; one submission).

Conditions:
EIF2AK2-related disorder. Also called: EIF2AK2-related condition.

Submission:

PreventionGenetics, part of Exact Sciences
Classification: Uncertain significance for EIF2AK2-related condition. Last evaluated: 2024-08-21. Review status: no assertion criteria provided. Collection method: clinical testing. Allele origin: germline.
Comment: The EIF2AK2 c.545T>G variant is predicted to result in the amino acid substitution p.Phe182Cys. To our knowledge, this variant has not been reported in the literature or in a large population database, indicating this variant is rare. At this time, the clinical significance of this variant is uncertain due to the absence of conclusive functional and genetic evidence.

NM_001135651.3(EIF2AK2):c.545T>G (p.Phe182Cys)

Gene: EIF2AK2 (eukaryotic translation initiation factor 2 alpha kinase 2; minus strand). Cytogenetic location: 2p22.2.
Variant type: single nucleotide variant.
Coding change: c.545T>G on transcript NM_001135651.3 (MANE Select); coding-DNA position 545, T replaced by G.
Protein change: p.Phe182Cys; replaces phenylalanine 182 with cysteine.
Molecular consequence: missense variant.
Genome position (GRCh38, 1-based): chr2:37,138,557, A>C on the plus strand (T>G on the coding strand, the complement: EIF2AK2 is on the minus strand). VCF-style: chr2-37138557-A-C. GRCh37 (hg19) VCF-style: chr2-37365700-A-C.
Other names: c.545T>G, p.Phe182Cys (NM_001135652.3, NM_002759.4); short protein forms F182C.
Identifiers: ClinVar variation 3356574 (VCV003356574.1).